The following is an entry in ClinVar:

ClinVar aggregate classification (germline): Conflicting classifications of pathogenicity. Review status: criteria provided, conflicting classifications (1 of 4 stars). 4 submissions from 4 submitters: Uncertain significance (1); Likely benign (3). Last evaluated 2026-02-02.

Conditions:
Inborn genetic diseases. Identifiers: MedGen C0950123, MeSH D030342.

Allele frequency attached by ClinVar (database versions not stated): gnomAD exomes 0.00025 and 0.00053; ExAC 0.00070; 1000 Genomes Project 30x 0.00219; 1000 Genomes Project 0.00220; gnomAD 0.00221 and 0.00234; TOPMed 0.00267; ESP Exome Variant Server 0.00300.
gnomAD v4.1: 724 of 1,613,994 alleles (0.045%); highest among the groups gnomAD compares: African/African-American, 0.8%; 5 homozygotes.

Submissions (4):

Labcorp Genetics (formerly Invitae), Labcorp
Classification: Likely benign. Last evaluated: 2026-02-02. Review status: criteria provided, single submitter. Criteria: Invitae Variant Classification Sherloc (09022015). Collection method: clinical testing. Allele origin: germline.

CeGaT Center for Human Genetics Tuebingen
Classification: Likely benign. Last evaluated: 2024-03-01. Review status: criteria provided, single submitter. Criteria: CeGaT Center For Human Genetics Tuebingen Variant Classification Criteria Version 2. Collection method: clinical testing. Allele origin: germline. Affected: yes. Observed: 1 variant allele.
Comment: LAMA3: BP4, BS1

Ambry Genetics
Classification: Uncertain significance for Inborn genetic diseases. Last evaluated: 2023-12-27. Review status: criteria provided, single submitter. Criteria: Ambry Variant Classification Scheme 2023. Collection method: clinical testing. Allele origin: germline.

Breakthrough Genomics
Classification: Likely benign. Review status: criteria provided, single submitter. Criteria: ACMG Guidelines, 2015. Collection method: not provided. Allele origin: germline. Inheritance: Autosomal recessive inheritance. Affected: yes.

NM_198129.4(LAMA3):c.5941C>T (p.Arg1981Trp)

Gene: LAMA3 (laminin subunit alpha 3; plus strand). Cytogenetic location: 18q11.2.
Variant type: single nucleotide variant.
Coding change: c.5941C>T on transcript NM_198129.4 (MANE Select); coding-DNA position 5941, C replaced by T.
Protein change: p.Arg1981Trp; replaces arginine 1981 with tryptophan.
Molecular consequence: missense variant. On other transcripts: intron variant (2).
Genome position (GRCh38, 1-based): chr18:23,899,392, C>T. VCF-style: chr18-23899392-C-T. GRCh37 (hg19) VCF-style: chr18-21479356-C-T.
Other names: c.1114C>T (NM_000227.3); c.1114C>T, p.Arg372Trp (NM_000227.6); c.5836+327C>T (NM_001127717.4); c.1009+327C>T (NM_001127718.4); short protein forms R1981W, R372W.
Identifiers: ClinVar variation 741093 (VCV000741093.34), dbSNP rs34381515, ClinGen allele CA8916225.